The following is an entry in ClinVar:

ClinVar aggregate classification (germline): Uncertain significance (1 of 4 stars; one submission).

Conditions:
Leber congenital amaurosis 4 (LCA4). Identifiers: MedGen C1858386, MONDO:0011458, OMIM 604393.

Allele frequency attached by ClinVar (database versions not stated): gnomAD exomes below 0.00001.
gnomAD v4.1: 1 of 1,614,142 alleles (0.000062%); highest among the groups gnomAD compares: African/African-American, 0.0013%; no homozygotes.

Submission:

Labcorp Genetics (formerly Invitae), Labcorp
Classification: Uncertain significance for Leber congenital amaurosis 4. Last evaluated: 2021-11-10. Review status: criteria provided, single submitter. Criteria: Invitae Variant Classification Sherloc (09022015). Collection method: clinical testing. Allele origin: germline.
Comment: In summary, the available evidence is currently insufficient to determine the role of this variant in disease. Therefore, it has been classified as a Variant of Uncertain Significance. This sequence change replaces aspartic acid, which is acidic and polar, with tyrosine, which is neutral and polar, at codon 255 of the AIPL1 protein (p.Asp255Tyr). This variant is not present in population databases (gnomAD no frequency). This variant has not been reported in the literature in individuals affected with AIPL1-related conditions. Algorithms developed to predict the effect of missense changes on protein structure and function (SIFT, PolyPhen-2, Align-GVGD) all suggest that this variant is likely to be disruptive.

NM_014336.5(AIPL1):c.763G>T (p.Asp255Tyr)

Gene: AIPL1 (AIP like 1 HSP90 co-chaperone; minus strand). Cytogenetic location: 17p13.2.
Variant type: single nucleotide variant.
Coding change: c.763G>T on transcript NM_014336.5 (MANE Select); coding-DNA position 763, G replaced by T.
Protein change: p.Asp255Tyr; replaces aspartic acid 255 with tyrosine.
Molecular consequence: missense variant.
Genome position (GRCh38, 1-based): chr17:6,426,636, C>A on the plus strand (G>T on the coding strand, the complement: AIPL1 is on the minus strand). VCF-style: chr17-6426636-C-A. GRCh37 (hg19) VCF-style: chr17-6329956-C-A.
Other names: c.574G>T, p.Asp192Tyr (NM_001033054.3); c.583G>T, p.Asp195Tyr (NM_001033055.3); c.727G>T, p.Asp243Tyr (NM_001285399.3); c.697G>T, p.Asp233Tyr (NM_001285400.3); c.691G>T, p.Asp231Tyr (NM_001285401.3); c.646G>T, p.Asp216Tyr (NM_001285402.2); c.739G>T, p.Asp247Tyr (NM_001285403.4); short protein forms D195Y, D231Y, D233Y, D255Y, D243Y, D247Y, D192Y, D216Y.
Identifiers: ClinVar variation 1479409 (VCV001479409.6), dbSNP rs997988313, ClinGen allele CA287324594.